The following is an entry in ClinVar:

ClinVar aggregate classification (germline): Benign (1 of 4 stars; one submission).

Conditions:
Chédiak-Higashi syndrome (CHS). Also called: Chediak-Higashi Syndrome. Identifiers: Orphanet 167, MedGen C0007965, MONDO:0008963, OMIM 214500.

Allele frequency attached by ClinVar (database versions not stated): gnomAD 0.00354; 1000 Genomes Project 0.00559; TOPMed 0.00626; 1000 Genomes Project 30x 0.00718.

Submission:

Illumina Laboratory Services, Illumina
Classification: Benign for Chédiak-Higashi syndrome. Last evaluated: 2018-01-12. Review status: criteria provided, single submitter. Criteria: ICSL Variant Classification Criteria 13 December 2019. Collection method: clinical testing. Allele origin: germline.
Comment: This variant was observed in the ICSL laboratory as part of a predisposition screen in an ostensibly healthy population. It had not been previously curated by ICSL or reported in the Human Gene Mutation Database (HGMD: prior to June 1st, 2018), and was therefore a candidate for classification through an automated scoring system. Utilizing variant allele frequency, disease prevalence and penetrance estimates, and inheritance mode, an automated score was calculated to assess if this variant is too frequent to cause the disease. Based on the score and internal cut-off values, a variant classified as benign is not then subjected to further curation. The score for this variant resulted in a classification of benign for this disease.

NM_000081.4(LYST):c.*1275T>C

Gene: LYST (lysosomal trafficking regulator; minus strand). Cytogenetic location: 1q42.3.
Variant type: single nucleotide variant.
Coding change: c.*1275T>C on transcript NM_000081.4 (MANE Select); 1275 bases downstream of the stop codon, T replaced by C.
Molecular consequence: 3 prime UTR variant.
Genome position (GRCh38, 1-based): chr1:235,661,665, A>G on the plus strand (T>C on the coding strand, the complement: LYST is on the minus strand). VCF-style: chr1-235661665-A-G. GRCh37 (hg19) VCF-style: chr1-235824965-A-G.
Other names: c.*1275T>C (NM_001301365.1).
Identifiers: ClinVar variation 296326 (VCV000296326.5), dbSNP rs150304907, ClinGen allele CA10609388.